The following is an entry in ClinVar:

NM_014285.7(EXOSC2):c.31C>A (p.Arg11Ser)

Gene: EXOSC2 (exosome component 2; plus strand). Cytogenetic location: 9q34.12.
Variant type: single nucleotide variant.
Coding change: c.31C>A on transcript NM_014285.7 (MANE Select); coding-DNA position 31, C replaced by A.
Protein change: p.Arg11Ser; replaces arginine 11 with serine.
Molecular consequence: missense variant. On other transcripts: non-coding transcript variant (1).
Genome position (GRCh38, 1-based): chr9:130,693,822, C>A. VCF-style: chr9-130693822-C-A. GRCh37 (hg19) VCF-style: chr9-133569209-C-A.
Other names: c.31C>A, p.Arg11Ser (NM_001282708.1, NM_001282709.1); short protein forms R11S.
Identifiers: ClinVar variation 1063737 (VCV001063737.9), dbSNP rs1361769558, ClinGen allele CA375245913.
Genomic context (GRCh38, chr9:130,693,822, plus strand): 5'-GCTGCGCCTGCGCAACTCATTGGCGCCAAGATGGCGATGGAGATGAGGCTTCCAGTGGCT[C>A]GCAAGCCTCTTAGCGAGAGACTGGGCCGCGACACTAAGAAACATCTAGTGGTGCCGGGGG-3'
Protein context (NP_055100.2, residues 1-21): MAMEMRLPVA[Arg11Ser]KPLSERLGRD

ClinVar aggregate classification (germline): Uncertain significance (1 of 4 stars; one submission).

Allele frequency attached by ClinVar (database versions not stated): gnomAD 0.00002.

Submission:

Labcorp Genetics (formerly Invitae), Labcorp
Classification: Uncertain significance. Last evaluated: 2022-10-05. Review status: criteria provided, single submitter. Criteria: Invitae Variant Classification Sherloc (09022015). Collection method: clinical testing. Allele origin: germline.
Comment: In summary, the available evidence is currently insufficient to determine the role of this variant in disease. Therefore, it has been classified as a Variant of Uncertain Significance. Algorithms developed to predict the effect of missense changes on protein structure and function (SIFT, PolyPhen-2, Align-GVGD) all suggest that this variant is likely to be tolerated. ClinVar contains an entry for this variant (Variation ID: 1063737). This variant has not been reported in the literature in individuals affected with EXOSC2-related conditions. This variant is present in population databases (no rsID available, gnomAD 0.0009%). This sequence change replaces arginine, which is basic and polar, with serine, which is neutral and polar, at codon 11 of the EXOSC2 protein (p.Arg11Ser).